The following is an entry in ClinVar:

ClinVar aggregate classification (germline): Benign. Review status: criteria provided, multiple submitters, no conflicts (2 of 4 stars). 2 submissions from 2 submitters: Benign (2). Last evaluated 2018-06-20.

Allele frequency attached by ClinVar (database versions not stated): 1000 Genomes Project 30x 0.08666; 1000 Genomes Project 0.08746; TOPMed 0.10217; gnomAD 0.10261 and 0.10585.
gnomAD v4.1: 15,546 of 152,230 alleles (10%); highest among the groups gnomAD compares: African/African-American, 14%; 887 homozygotes.

Submissions (2):

GeneDx
Classification: Benign. Last evaluated: 2018-06-20. Review status: criteria provided, single submitter. Criteria: GeneDx Variant Classification (06012015). Collection method: clinical testing. Allele origin: germline. Affected: yes.
Comment: This variant is considered likely benign or benign based on one or more of the following criteria: it is a conservative change, it occurs at a poorly conserved position in the protein, it is predicted to be benign by multiple in silico algorithms, and/or has population frequency not consistent with disease.

Breakthrough Genomics
Classification: Benign. Review status: criteria provided, single submitter. Criteria: ACMG Guidelines, 2015. Collection method: not provided. Allele origin: germline. Inheritance: Autosomal dominant inheritance. Affected: yes.

NM_000264.5(PTCH1):c.395-172T>C

Gene: PTCH1 (patched 1; minus strand). Cytogenetic location: 9q22.32.
Variant type: single nucleotide variant.
Coding change: c.395-172T>C on transcript NM_000264.5 (MANE Select); 172 bases into the intron before coding-DNA position 395, T replaced by C.
Molecular consequence: intron variant.
Genome position (GRCh38, 1-based): chr9:95,486,046, A>G on the plus strand (T>C on the coding strand, the complement: PTCH1 is on the minus strand). VCF-style: chr9-95486046-A-G. GRCh37 (hg19) VCF-style: chr9-98248328-A-G.
Other names: c.392-172T>C (NM_001083603.3); c.197-172T>C (NM_001083602.3, NM_001354919.2); c.395-172T>C (NM_001354918.2); c.-59-172T>C (NM_001083605.3, NM_001083604.3, NM_001083606.3 and 1 more transcripts).
Identifiers: ClinVar variation 677047 (VCV000677047.2), dbSNP rs2282040, ClinGen allele CA16368264.